The following is an entry in ClinVar:

ClinVar aggregate classification (germline): Uncertain significance. Review status: criteria provided, multiple submitters, no conflicts (2 of 4 stars). 4 submissions from 3 submitters: Uncertain significance (4). Last evaluated 2023-04-11.

Conditions:
Ectopia lentis 2, isolated, autosomal recessive (ECTOL2). Identifiers: Orphanet 1885, MedGen C3541474, MONDO:0009152, OMIM 225100.
Ectopia lentis et pupillae. Also called: ECTOPIA LENTIS WITH ECTOPIA OF PUPIL. Identifiers: Orphanet 1885, MedGen C1644196, MONDO:0009153, OMIM 225200.

Allele frequency attached by ClinVar (database versions not stated): gnomAD 0.00006; ESP Exome Variant Server 0.00008; gnomAD exomes 0.00008; TOPMed 0.00009; 1000 Genomes Project 30x 0.00016; 1000 Genomes Project 0.00020.

Submissions (4):

Genome-Nilou Lab
Classification: Uncertain significance for Ectopia lentis et pupillae. Last evaluated: 2023-04-11. Review status: criteria provided, single submitter. Criteria: ACMG Guidelines, 2015. Collection method: clinical testing. Allele origin: germline. Affected: no.

Genome-Nilou Lab
Classification: Uncertain significance for Ectopia lentis 2, isolated, autosomal recessive. Last evaluated: 2023-04-11. Review status: criteria provided, single submitter. Criteria: ACMG Guidelines, 2015. Collection method: clinical testing. Allele origin: germline. Affected: no.

Labcorp Genetics (formerly Invitae), Labcorp
Classification: Uncertain significance. Last evaluated: 2022-08-16. Review status: criteria provided, single submitter. Criteria: Invitae Variant Classification Sherloc (09022015). Collection method: clinical testing. Allele origin: germline.
Comment: This sequence change replaces arginine, which is basic and polar, with tryptophan, which is neutral and slightly polar, at codon 519 of the ADAMTSL4 protein (p.Arg519Trp). This variant is present in population databases (rs369892162, gnomAD 0.07%). This variant has not been reported in the literature in individuals affected with ADAMTSL4-related conditions. ClinVar contains an entry for this variant (Variation ID: 292535). Algorithms developed to predict the effect of missense changes on protein structure and function (SIFT, PolyPhen-2, Align-GVGD) all suggest that this variant is likely to be disruptive. In summary, the available evidence is currently insufficient to determine the role of this variant in disease. Therefore, it has been classified as a Variant of Uncertain Significance.

Illumina Laboratory Services, Illumina
Classification: Uncertain significance for Ectopia lentis 2, isolated, autosomal recessive. Last evaluated: 2018-01-12. Review status: criteria provided, single submitter. Criteria: ICSL Variant Classification Criteria 13 December 2019. Collection method: clinical testing. Allele origin: germline.

NM_019032.6(ADAMTSL4):c.1555C>T (p.Arg519Trp)

Genes: ADAMTSL4 (ADAMTS like 4; plus strand), ADAMTSL4-AS2 (ADAMTSL4 antisense RNA 2; minus strand). Cytogenetic location: 1q21.2.
Variant type: single nucleotide variant.
Coding change: c.1555C>T on transcript NM_019032.6 (MANE Select); coding-DNA position 1555, C replaced by T.
Protein change: p.Arg519Trp; replaces arginine 519 with tryptophan.
Molecular consequence: missense variant.
Genome position (GRCh38, 1-based): chr1:150,556,345, C>T. VCF-style: chr1-150556345-C-T. GRCh37 (hg19) VCF-style: chr1-150528821-C-T.
Other names: c.1624C>T, p.Arg542Trp (NM_001288607.2, NM_001288608.2); c.1555C>T, p.Arg519Trp (NM_001378596.1, NM_025008.5); short protein forms R519W, R542W.
Identifiers: ClinVar variation 292535 (VCV000292535.7), dbSNP rs369892162, ClinGen allele CA1078299.